The following is an entry in ClinVar:

ClinVar aggregate classification (germline): Likely pathogenic. Review status: criteria provided, multiple submitters, no conflicts (2 of 4 stars). 2 submissions from 2 submitters: Likely pathogenic (2). Last evaluated 2024-08-14.

Conditions:
Familial cancer of breast. Also called: BREAST CANCER, FAMILIAL; hereditary breast carcinoma; Hereditary breast cancer. Identifiers: Orphanet 227535, MedGen C0346153, MONDO:0016419, OMIM 114480. Disease mechanism: loss of function.
Ataxia-telangiectasia syndrome (AT). Also called: Ataxia-telangiectasia, complementation group E; LOUIS-BAR SYNDROME; ATAXIA-TELANGIECTASIA, COMPLEMENTATION GROUP A; ATAXIA-TELANGIECTASIA, FRESNO VARIANT; Cerebello-oculocutaneous telangiectasia; Immunodeficiency with ataxia telangiectasia. Identifiers: Orphanet 100, MedGen C0004135, MONDO:0008840, OMIM 208900.

Submissions (2):

Labcorp Genetics (formerly Invitae), Labcorp
Classification: Likely pathogenic for Ataxia-telangiectasia syndrome. Last evaluated: 2024-08-14. Review status: criteria provided, single submitter. Criteria: Invitae Variant Classification Sherloc (09022015). Collection method: clinical testing. Allele origin: germline.
Comment: This sequence change affects a donor splice site in intron 18 of the ATM gene. It is expected to disrupt RNA splicing. Variants that disrupt the donor or acceptor splice site typically lead to a loss of protein function (PMID: 16199547), and loss-of-function variants in ATM are known to be pathogenic (PMID: 23807571, 25614872). This variant is not present in population databases (gnomAD no frequency). This variant has not been reported in the literature in individuals affected with ATM-related conditions. ClinVar contains an entry for this variant (Variation ID: 2431303). Algorithms developed to predict the effect of sequence changes on RNA splicing suggest that this variant may disrupt the consensus splice site. In summary, the currently available evidence indicates that the variant is pathogenic, but additional data are needed to prove that conclusively. Therefore, this variant has been classified as Likely Pathogenic.

Myriad Genetics, Inc.
Classification: Likely pathogenic for Familial cancer of breast. Last evaluated: 2023-01-09. Review status: criteria provided, single submitter. Criteria: Myriad Autosomal Dominant, Autosomal Recessive and X-Linked Classification Criteria (2023). Collection method: clinical testing. Allele origin: unknown.
Comment: This variant is considered likely pathogenic. This variant occurs within a consensus splice junction and is predicted to result in abnormal mRNA splicing of either an out-of-frame exon or an in-frame exon necessary for protein stability and/or normal function.

Literature cited by the submitters: PubMed 16199547 (cited by Labcorp Genetics (formerly Invitae), Labcorp); PubMed 23807571 (cited by Labcorp Genetics (formerly Invitae), Labcorp); PubMed 25614872 (cited by Labcorp Genetics (formerly Invitae), Labcorp).

NM_000051.4(ATM):c.2838+2T>A

Gene: ATM (ATM serine/threonine kinase; plus strand). Cytogenetic location: 11q22.3.
Variant type: single nucleotide variant.
Coding change: c.2838+2T>A on transcript NM_000051.4 (MANE Select); the canonical splice donor site of the intron after coding-DNA position 2838, T replaced by A.
Molecular consequence: splice donor variant.
Genome position (GRCh38, 1-based): chr11:108,268,611, T>A. VCF-style: chr11-108268611-T-A. GRCh37 (hg19) VCF-style: chr11-108139338-T-A.
Other names: c.2838+2T>A (NM_001351834.2).
Identifiers: ClinVar variation 2431303 (VCV002431303.3), dbSNP rs2135527696, ClinGen allele CA382545877.